The following is an entry in ClinVar:

ClinVar aggregate classification (germline): Uncertain significance. Review status: criteria provided, multiple submitters, no conflicts (2 of 4 stars). 2 submissions from 2 submitters: Uncertain significance (2). Last evaluated 2024-02-27.

Allele frequency attached by ClinVar (database versions not stated): TOPMed below 0.00001; gnomAD 0.00001; gnomAD exomes 0.00001; ExAC 0.00003.

Submissions (2):

Blueprint Genetics
Classification: Uncertain significance. Last evaluated: 2024-02-27. Review status: criteria provided, single submitter. Criteria: ACMG Guidelines, 2015. Collection method: clinical testing. Allele origin: germline.

Labcorp Genetics (formerly Invitae), Labcorp
Classification: Uncertain significance. Last evaluated: 2022-07-15. Review status: criteria provided, single submitter. Criteria: Invitae Variant Classification Sherloc (09022015). Collection method: clinical testing. Allele origin: germline.
Comment: In summary, the available evidence is currently insufficient to determine the role of this variant in disease. Therefore, it has been classified as a Variant of Uncertain Significance. Algorithms developed to predict the effect of missense changes on protein structure and function are either unavailable or do not agree on the potential impact of this missense change (SIFT: "Deleterious"; PolyPhen-2: "Probably Damaging"; Align-GVGD: "Class C15"). This variant has not been reported in the literature in individuals affected with KIAA1549-related conditions. The frequency data for this variant in the population databases is considered unreliable, as metrics indicate poor data quality at this position in the gnomAD database. This sequence change replaces arginine, which is basic and polar, with cysteine, which is neutral and slightly polar, at codon 1566 of the KIAA1549 protein (p.Arg1566Cys).

NM_001164665.2(KIAA1549):c.4696C>T (p.Arg1566Cys)

Gene: KIAA1549 (KIAA1549; minus strand). Cytogenetic location: 7q34.
Variant type: single nucleotide variant.
Coding change: c.4696C>T on transcript NM_001164665.2 (MANE Select); coding-DNA position 4696, C replaced by T.
Protein change: p.Arg1566Cys; replaces arginine 1566 with cysteine.
Molecular consequence: missense variant.
Genome position (GRCh38, 1-based): chr7:138,869,617, G>A on the plus strand (C>T on the coding strand, the complement: KIAA1549 is on the minus strand). VCF-style: chr7-138869617-G-A. GRCh37 (hg19) VCF-style: chr7-138554363-G-A.
Other names: c.4696C>T, p.Arg1566Cys (NM_020910.3); short protein forms R1566C.
Identifiers: ClinVar variation 1915641 (VCV001915641.6), dbSNP rs772022623, ClinGen allele CA4505793.